The following is an entry in ClinVar:

ClinVar aggregate classification (germline): Uncertain significance. Review status: criteria provided, multiple submitters, no conflicts (2 of 4 stars). 2 submissions from 2 submitters: Uncertain significance (2). Last evaluated 2022-01-08.

Conditions:
Hereditary cancer-predisposing syndrome. Also called: Hereditary neoplastic syndrome; Tumor predisposition; Neoplastic Syndromes, Hereditary; Hereditary Cancer Syndrome. Identifiers: Orphanet 140162, MedGen C0027672, MeSH D009386, MONDO:0015356.
Tuberous sclerosis 2 (TSC2). Identifiers: Orphanet 805, MedGen C1860707, MONDO:0013199, OMIM 613254.

Submissions (2):

Ambry Genetics
Classification: Uncertain significance for Hereditary cancer-predisposing syndrome. Last evaluated: 2022-01-08. Review status: criteria provided, single submitter. Criteria: Ambry Variant Classification Scheme 2023. Collection method: clinical testing. Allele origin: germline.
Comment: The p.S1647C variant (also known as c.4940C>G), located in coding exon 37 of the TSC2 gene, results from a C to G substitution at nucleotide position 4940. The serine at codon 1647 is replaced by cysteine, an amino acid with dissimilar properties. This amino acid position is conserved. In addition, this alteration is predicted to be deleterious by in silico analysis. Since supporting evidence is limited at this time, the clinical significance of this alteration remains unclear.

Labcorp Genetics (formerly Invitae), Labcorp
Classification: Uncertain significance for Tuberous sclerosis 2. Last evaluated: 2021-09-01. Review status: criteria provided, single submitter. Criteria: Invitae Variant Classification Sherloc (09022015). Collection method: clinical testing. Allele origin: germline.
Comment: This sequence change replaces serine with cysteine at codon 1647 of the TSC2 protein (p.Ser1647Cys). The serine residue is moderately conserved and there is a moderate physicochemical difference between serine and cysteine. This variant is not present in population databases (ExAC no frequency). This variant has not been reported in the literature in individuals affected with TSC2-related conditions. Algorithms developed to predict the effect of missense changes on protein structure and function are either unavailable or do not agree on the potential impact of this missense change (SIFT: "Tolerated"; PolyPhen-2: "Probably Damaging"; Align-GVGD: "Class C0"). In summary, the available evidence is currently insufficient to determine the role of this variant in disease. Therefore, it has been classified as a Variant of Uncertain Significance.

NM_000548.5(TSC2):c.4940C>G (p.Ser1647Cys)

Gene: TSC2 (TSC complex subunit 2; plus strand). Cytogenetic location: 16p13.3.
Variant type: single nucleotide variant.
Coding change: c.4940C>G on transcript NM_000548.5 (MANE Select); coding-DNA position 4940, C replaced by G.
Protein change: p.Ser1647Cys; replaces serine 1647 with cysteine.
Molecular consequence: missense variant.
Genome position (GRCh38, 1-based): chr16:2,086,822, C>G. VCF-style: chr16-2086822-C-G. GRCh37 (hg19) VCF-style: chr16-2136823-C-G.
Other names: c.4631C>G, p.Ser1544Cys (NM_001318827.2); c.4595C>G, p.Ser1532Cys (NM_001318829.2); c.4208C>G, p.Ser1403Cys (NM_001318831.2); c.4772C>G, p.Ser1591Cys (NM_001318832.2); c.4742C>G, p.Ser1581Cys (NM_001363528.2); c.4808C>G, p.Ser1603Cys (NM_001370404.1); c.4811C>G, p.Ser1604Cys (NM_001370405.1, NM_021055.3); c.4739C>G, p.Ser1580Cys (NM_001077183.3); and 1 more; short protein forms S1580C, S1581C, S1403C, S1591C, S1603C, S1647C, S1532C, S1544C.
Identifiers: ClinVar variation 861907 (VCV000861907.9), dbSNP rs2090863579, ClinGen allele CA394308746.
Genomic context (GRCh38, chr16:2,086,822, plus strand): 5'-CCAAGGACGTGGACAAGCACCGCTGCGACAAGAAGCGCCACCTGGGCAACGACTTTGTGT[C>G]CATTGTCTACAATGACTCCGGTGAGGACTTCAAGCTTGGCACCATCAAGGTGAGTGAGGG-3'
Protein context (NP_000539.2, residues 1637-1657): KKRHLGNDFV[Ser1647Cys]IVYNDSGEDF